The following is an entry in ClinVar:

ClinVar aggregate classification (germline): Likely benign. Review status: criteria provided, multiple submitters, no conflicts (2 of 4 stars). 3 submissions from 3 submitters: Likely benign (2). 1 of the submissions does not count toward it. Last evaluated 2025-12-17.

Conditions:
PPARG-related disorder. Also called: PPARG-related disorders; PPARG-related condition.

Allele frequency attached by ClinVar (database versions not stated): gnomAD exomes 0.00009 and 0.00020; ExAC 0.00015; ESP Exome Variant Server 0.00015; gnomAD 0.00031; TOPMed 0.00047; 1000 Genomes Project 0.00080; 1000 Genomes Project 30x 0.00094.
gnomAD v4.1: 192 of 1,614,024 alleles (0.012%); highest among the groups gnomAD compares: Admixed American, 0.1%; 1 homozygote.

Submissions (3):

Labcorp Genetics (formerly Invitae), Labcorp
Classification: Likely benign. Last evaluated: 2025-12-17. Review status: criteria provided, single submitter. Criteria: Invitae Variant Classification Sherloc (09022015). Collection method: clinical testing. Allele origin: germline.

Blueprint Genetics
Classification: Likely benign. Last evaluated: 2024-11-04. Review status: criteria provided, single submitter. Criteria: ACMG Guidelines, 2015. Collection method: clinical testing. Allele origin: germline.

PreventionGenetics, part of Exact Sciences
Classification: Likely benign for PPARG-related condition. Last evaluated: 2021-07-01. Review status: no assertion criteria provided. Collection method: clinical testing. Allele origin: germline. Not counted in ClinVar's aggregate classification.
Comment: This variant is classified as likely benign based on ACMG/AMP sequence variant interpretation guidelines (Richards et al. 2015 PMID: 25741868, with internal and published modifications).

NM_138711.6(PPARG):c.63C>T (p.Ser21=)

Gene: PPARG (peroxisome proliferator activated receptor gamma; plus strand). Cytogenetic location: 3p25.2.
Variant type: single nucleotide variant.
Coding change: c.63C>T on transcript NM_138711.6 (MANE Select); coding-DNA position 63, C replaced by T.
Protein change: p.Ser21=; no amino-acid change (serine 21 retained).
Molecular consequence: synonymous variant. On other transcripts: 5 prime UTR variant (1).
Genome position (GRCh38, 1-based): chr3:12,379,774, C>T. VCF-style: chr3-12379774-C-T. GRCh37 (hg19) VCF-style: chr3-12421273-C-T.
Other names: c.63C>T, p.Ser21= (NM_001330615.4, NM_001354666.3, NM_001354667.3 and 6 more transcripts); c.153C>T, p.Ser51= (NM_001354668.2, NM_001374265.1, NM_015869.5); c.-365C>T (NM_001354669.2); c.69C>T, p.Ser23= (NM_001354670.2, NM_001374266.1).
Identifiers: ClinVar variation 720030 (VCV000720030.10), dbSNP rs150513215, ClinGen allele CA2258093.